The following is an entry in ClinVar:

ClinVar aggregate classification (germline): Pathogenic/Likely pathogenic. Review status: criteria provided, multiple submitters, no conflicts (2 of 4 stars). 4 submissions from 4 submitters: Pathogenic (2); Likely pathogenic (1). 1 of the submissions does not count toward it. Last evaluated 2024-03-21.

Conditions:
Deficiency of steroid 11-beta-monooxygenase (CYP11B1). Also called: 11-BETA-HYDROXYLASE DEFICIENCY; ADRENAL HYPERPLASIA, CONGENITAL, DUE TO STEROID 11-BETA-HYDROXYLASE DEFICIENCY; P450C11B1 DEFICIENCY; STEROID 11-BETA-HYDROXYLASE DEFICIENCY; ADRENAL HYPERPLASIA IV; Congenital adrenal hyperplasia due to 11-beta-hydroxylase deficiency. Identifiers: Orphanet 90795, MedGen C0268292, MONDO:0008729, OMIM 202010. Disease mechanism: loss of function.
Glucocorticoid-remediable aldosteronism. Also called: ACTH-DEPENDENT HYPERALDOSTERONISM SYNDROME; ALDOSTERONISM, SENSITIVE TO DEXAMETHASONE; FH I; GLUCOCORTICOID-SUPPRESSIBLE HYPERALDOSTERONISM; Hyperaldosteronism, familial, type I. Identifiers: Orphanet 403, MedGen C3838731, MONDO:0007080, OMIM 103900.

Allele frequency attached by ClinVar (database versions not stated): TOPMed below 0.00001.

Submissions (4):

Baylor Genetics
Classification: Pathogenic for Deficiency of steroid 11-beta-monooxygenase. Last evaluated: 2024-03-21. Review status: criteria provided, single submitter. Criteria: ACMG Guidelines, 2015. Collection method: clinical testing. Allele origin: unknown.

Fulgent Genetics
Classification: Likely pathogenic for Glucocorticoid-remediable aldosteronism; Deficiency of steroid 11-beta-monooxygenase. Last evaluated: 2024-03-07. Review status: criteria provided, single submitter. Criteria: ACMG Guidelines, 2015. Collection method: clinical testing. Allele origin: germline.

Labcorp Genetics (formerly Invitae), Labcorp
Classification: Pathogenic. Last evaluated: 2023-11-03. Review status: criteria provided, single submitter. Criteria: Invitae Variant Classification Sherloc (09022015). Collection method: clinical testing. Allele origin: germline.
Comment: This sequence change replaces alanine, which is neutral and non-polar, with valine, which is neutral and non-polar, at codon 331 of the CYP11B1 protein (p.Ala331Val). This variant is not present in population databases (gnomAD no frequency). This missense change has been observed in individuals with congenital adrenal hyperplasia (PMID: 8768848, 28228528). ClinVar contains an entry for this variant (Variation ID: 552598). Advanced modeling of protein sequence and biophysical properties (such as structural, functional, and spatial information, amino acid conservation, physicochemical variation, residue mobility, and thermodynamic stability) performed at Invitae indicates that this missense variant is expected to disrupt CYP11B1 protein function with a positive predictive value of 95%. Experimental studies have shown that this missense change affects CYP11B1 function (PMID: 8768848). For these reasons, this variant has been classified as Pathogenic.

Counsyl
Classification: Likely pathogenic for Deficiency of steroid 11-beta-monooxygenase. Last evaluated: 2017-06-23. Review status: no assertion criteria provided. Collection method: clinical testing. Allele origin: unknown. Not counted in ClinVar's aggregate classification.

Literature cited by the submitters: PubMed 8768848 (cited by Labcorp Genetics (formerly Invitae), Labcorp and Counsyl); PubMed 28228528 (cited by Labcorp Genetics (formerly Invitae), Labcorp and Counsyl).

NM_000497.4(CYP11B1):c.992C>T (p.Ala331Val)

Genes: CYP11B1 (cytochrome P450 family 11 subfamily B member 1; minus strand), LOC106799833 (CYP11B1 recombination region; plus strand). Cytogenetic location: 8q24.3.
Variant type: single nucleotide variant.
Coding change: c.992C>T on transcript NM_000497.4 (MANE Select); coding-DNA position 992, C replaced by T.
Protein change: p.Ala331Val; replaces alanine 331 with valine.
Molecular consequence: missense variant.
Genome position (GRCh38, 1-based): chr8:142,875,841, G>A on the plus strand (C>T on the coding strand, the complement: CYP11B1 is on the minus strand). VCF-style: chr8-142875841-G-A. GRCh37 (hg19) VCF-style: chr8-143957257-G-A.
Other names: c.992C>T, p.Ala331Val (NM_001026213.1); short protein forms A331V.
Identifiers: ClinVar variation 552598 (VCV000552598.8), dbSNP rs1326688256, ClinGen allele CA372394361.